The following is an entry in ClinVar:

NM_005033.3(EXOSC9):c.566A>C (p.His189Pro)

Gene: EXOSC9 (exosome component 9; plus strand). Cytogenetic location: 4q27.
Variant type: single nucleotide variant.
Coding change: c.566A>C on transcript NM_005033.3 (MANE Select); coding-DNA position 566, A replaced by C.
Protein change: p.His189Pro; replaces histidine 189 with proline.
Molecular consequence: missense variant.
Genome position (GRCh38, 1-based): chr4:121,807,583, A>C. VCF-style: chr4-121807583-A-C. GRCh37 (hg19) VCF-style: chr4-122728738-A-C.
Other names: c.566A>C, p.His189Pro (NM_001034194.2); short protein forms H189P.
Identifiers: ClinVar variation 1474783 (VCV001474783.6), dbSNP rs1727061242, ClinGen allele CA358043716.

ClinVar aggregate classification (germline): Uncertain significance (1 of 4 stars; one submission).

Submission:

Labcorp Genetics (formerly Invitae), Labcorp
Classification: Uncertain significance. Last evaluated: 2021-09-20. Review status: criteria provided, single submitter. Criteria: Invitae Variant Classification Sherloc (09022015). Collection method: clinical testing. Allele origin: germline.
Comment: In summary, the available evidence is currently insufficient to determine the role of this variant in disease. Therefore, it has been classified as a Variant of Uncertain Significance. Algorithms developed to predict the effect of missense changes on protein structure and function (SIFT, PolyPhen-2, Align-GVGD) all suggest that this variant is likely to be disruptive. This variant has not been reported in the literature in individuals affected with EXOSC9-related conditions. This variant is not present in population databases (ExAC no frequency). This sequence change replaces histidine with proline at codon 189 of the EXOSC9 protein (p.His189Pro). The histidine residue is highly conserved and there is a moderate physicochemical difference between histidine and proline.